The following is an entry in ClinVar:

ClinVar aggregate classification (oncogenicity): Oncogenic (1 of 4 stars; one submission).

Conditions:
Acute myeloid leukemia (AML). Also called: Acute myeloid leukemia, adult; AML adult; Acute non-lymphocytic leukemia; Acute granulocytic leukemia; Leukemia, acute myeloid, somatic; Leukemia, acute myelogenous, somatic. Identifiers: Orphanet 519, MedGen C0023467, MeSH D015470, MONDO:0018874, OMIM 601626, HP:0004808. Disease mechanism: Constitutively activated FLT3.

Submission:

Microbiology and Molecular Biology Lab, Lahore College for Women University
Classification: Oncogenic for Acute myeloid leukemia. Last evaluated: 2025-10-12. Review status: criteria provided, single submitter. Criteria: Assertion Criteria. Collection method: research. Allele origin: somatic. Affected: yes.
Comment: Gene: NRAS Transcript: NM_002524.5 cDNA Change: c.109G>A Protein Change: p.E37K Mutation Type: Missense synonymous mutation in exon 2, within the GTPase domain and responsible to encode P-loop Genomic Location (GRCh38): chr1:114,716,052G>A Oncogenicity: Oncogenic NRAS c.109G>A (p.E37K) is an oncogenic, somatic mutation which is not previously reported in databases such as COSMIC and ClinVar. No approved NRAS-targeted therapies currently exist for this mutation. It may influence prognosis and inform eligibility for clinical trials targeting downstream pathways.

NM_002524.5(NRAS):c.109G>A (p.Glu37Lys)

Gene: NRAS (NRAS proto-oncogene, GTPase; minus strand). Cytogenetic location: 1p13.2.
Variant type: single nucleotide variant.
Coding change: c.109G>A on transcript NM_002524.5 (MANE Select); coding-DNA position 109, G replaced by A.
Protein change: p.Glu37Lys; replaces glutamic acid 37 with lysine.
Molecular consequence: missense variant.
Genome position (GRCh38, 1-based): chr1:114,716,052, C>T on the plus strand (G>A on the coding strand, the complement: NRAS is on the minus strand). VCF-style: chr1-114716052-C-T. GRCh37 (hg19) VCF-style: chr1-115258673-C-T.
Other names: short protein forms E37K.
Identifiers: ClinVar variation 4280726 (VCV004280726.1).